The following is an entry in ClinVar:

ClinVar aggregate classification (germline): Conflicting classifications of pathogenicity. Review status: criteria provided, conflicting classifications (1 of 4 stars). 3 submissions from 3 submitters: Uncertain significance (1); Likely benign (1). 1 of the submissions does not count toward it. Last evaluated 2026-01-24.

Conditions:
SLC1A4-related disorder. Also called: SLC1A4-related condition.

Allele frequency attached by ClinVar (database versions not stated): gnomAD exomes 0.00020; ESP Exome Variant Server 0.00115; 1000 Genomes Project 30x 0.00141; TOPMed 0.00151; 1000 Genomes Project 0.00160.
gnomAD v4.1: 492 of 1,614,174 alleles (0.03%); highest among the groups gnomAD compares: African/African-American, 0.45%; 1 homozygote.

Submissions (3):

Labcorp Genetics (formerly Invitae), Labcorp
Classification: Likely benign. Last evaluated: 2026-01-24. Review status: criteria provided, single submitter. Criteria: Invitae Variant Classification Sherloc (09022015). Collection method: clinical testing. Allele origin: germline.

Genetic Services Laboratory, University of Chicago
Classification: Uncertain significance. Last evaluated: 2018-01-08. Review status: criteria provided, single submitter. Criteria: ACMG Guidelines, 2015. Collection method: clinical testing. Allele origin: germline. Affected: no.

PreventionGenetics, part of Exact Sciences
Classification: Likely benign for SLC1A4-related condition. Last evaluated: 2024-02-06. Review status: no assertion criteria provided. Collection method: clinical testing. Allele origin: germline. Not counted in ClinVar's aggregate classification.
Comment: This variant is classified as likely benign based on ACMG/AMP sequence variant interpretation guidelines (Richards et al. 2015 PMID: 25741868, with internal and published modifications).

NM_003038.5(SLC1A4):c.1313T>C (p.Ile438Thr)

Gene: SLC1A4 (solute carrier family 1 member 4; plus strand). Cytogenetic location: 2p14.
Variant type: single nucleotide variant.
Coding change: c.1313T>C on transcript NM_003038.5 (MANE Select); coding-DNA position 1313, T replaced by C.
Protein change: p.Ile438Thr; replaces isoleucine 438 with threonine.
Molecular consequence: missense variant.
Genome position (GRCh38, 1-based): chr2:65,018,628, T>C. VCF-style: chr2-65018628-T-C. GRCh37 (hg19) VCF-style: chr2-65245762-T-C.
Other names: c.419T>C, p.Ile140Thr (NM_001193493.2); c.653T>C, p.Ile218Thr (NM_001348406.2, NM_001348407.2); short protein forms I218T, I438T, I140T.
Identifiers: ClinVar variation 786483 (VCV000786483.15), dbSNP rs141895894, ClinGen allele CA1686141.
Genomic context (GRCh38, chr2:65,018,628, plus strand): 5'-TTGGAGCAGCAGGCGTGCCAGCTGGAGGGGTCCTCACCATTGCCATTATCCTGGAGGCCA[T>C]TGGGCTGCCTACTCATGACCTGCCTCTGATCCTGGCTGTGGACTGGATTGTGTAAGTAAC-3'
Protein context (NP_003029.2, residues 428-448): VLTIAIILEA[Ile438Thr]GLPTHDLPLI